The following is an entry in ClinVar:

ClinVar aggregate classification (germline): Pathogenic (1 of 4 stars; one submission).

Conditions:
Choroideremia. Also called: Chorioretinal scalloped atrophy. Identifiers: Orphanet 180, MedGen C0008525, MONDO:0010557, OMIM 303100, HP:0001139.

Submission:

Genos
Classification: Pathogenic for Choroideremia. Last evaluated: 2026-06-25. Review status: criteria provided, single submitter. Criteria: ACMG Guidelines, 2015. Collection method: clinical testing. Allele origin: unknown. Inheritance: X-linked inheritance. Affected: yes. Observed: 1 variant allele, 1 hemizygote.
Comment: The variant NM_000390.4.c:1176dup, p.(Val393Cysfs*25) introduces a frameshift and premature termination codon in exon 9 of the CHM transcript. This alteration is expected to result in nonsense-mediated mRNA decay or production of a truncated, non-functional Rab escort protein 1 (REP-1). Loss of function is an established disease mechanism for CHM-related choroideremia. The variant is absent from population controls in gnomAD v4.1.1. The phenotype of the individual in whom the variant was identified is consistent with CHM-related choroideremia. Based on ACMG/AMP criteria, this variant is classified as pathogenic (PVS1, PM2_Supporting, PP4).

Literature cited by the submitters: PubMed 30541579.

NM_000390.4(CHM):c.1176dup (p.Val393fs)

Gene: CHM (CHM Rab escort protein; minus strand). Cytogenetic location: Xq21.2.
Variant type: Duplication.
Coding change: c.1176dup on transcript NM_000390.4 (MANE Select); coding-DNA position 1176, one base duplicated (T; older notation c.1176dupT).
Protein change: p.Val393fs; shifts the reading frame from valine 393.
Molecular consequence: frameshift variant.
Genome position (GRCh38, 1-based): chrX:85,911,329, A duplicated on the plus strand (T on the coding strand, the reverse complement: CHM is on the minus strand). VCF-style (leftmost placement, unchanged base first): chrX-85911328-C-CA. GRCh37 (hg19) VCF-style: chrX-85166333-C-CA.
Other names: c.732dup, p.Val245fs (NM_001320959.1, NM_001362517.1, NM_001362518.2 and 1 more transcripts); short protein forms V245fs, V393fs.
Identifiers: ClinVar variation 4857225 (VCV004857225.1).